The following is an entry in ClinVar:

NM_001042492.3(NF1):c.8160G>C (p.Lys2720Asn)

Gene: NF1 (neurofibromin 1; plus strand). Cytogenetic location: 17q11.2.
Variant type: single nucleotide variant.
Coding change: c.8160G>C on transcript NM_001042492.3 (MANE Select); coding-DNA position 8160, G replaced by C.
Protein change: p.Lys2720Asn; replaces lysine 2720 with asparagine.
Molecular consequence: missense variant.
Genome position (GRCh38, 1-based): chr17:31,359,015, G>C. VCF-style: chr17-31359015-G-C. GRCh37 (hg19) VCF-style: chr17-29686033-G-C.
Other names: c.8097G>C, p.Lys2699Asn (NM_000267.4); short protein forms K2699N, K2720N.
Identifiers: ClinVar variation 481988 (VCV000481988.13), dbSNP rs1555537030, ClinGen allele CA399204261.

ClinVar aggregate classification (germline): Conflicting classifications of pathogenicity. Review status: criteria provided, conflicting classifications (1 of 4 stars). 3 submissions from 3 submitters: Uncertain significance (2); Likely benign (1). Last evaluated 2026-08-06.

Conditions:
Hereditary cancer-predisposing syndrome. Also called: Neoplastic Syndromes, Hereditary; Hereditary neoplastic syndrome; Hereditary Cancer Syndrome; Tumor predisposition. Identifiers: Orphanet 140162, MedGen C0027672, MeSH D009386, MONDO:0015356.
Cardiovascular phenotype. Identifiers: MedGen CN230736.
Neurofibromatosis, type 1 (NF1). Also called: VON RECKLINGHAUSEN DISEASE; Neurofibromatosis, type I; Peripheral type neurofibromatosis; NEUROFIBROMATOSIS, TYPE I, SOMATIC. Identifiers: Orphanet 636, MedGen C0027831, MONDO:0018975, OMIM 162200. Disease mechanism: loss of function.

Submissions (3):

Ambry Genetics
Classification: Likely benign for Cardiovascular phenotype; Hereditary cancer-predisposing syndrome. Last evaluated: 2026-08-06. Review status: criteria provided, single submitter. Criteria: Ambry Variant Classification Scheme 2023. Collection method: clinical testing. Allele origin: germline.

Labcorp Genetics (formerly Invitae), Labcorp
Classification: Uncertain significance for Neurofibromatosis, type 1. Last evaluated: 2024-06-05. Review status: criteria provided, single submitter. Criteria: Invitae Variant Classification Sherloc (09022015). Collection method: clinical testing. Allele origin: germline.
Comment: This sequence change replaces lysine, which is basic and polar, with asparagine, which is neutral and polar, at codon 2699 of the NF1 protein (p.Lys2699Asn). This variant also falls at the last nucleotide of exon 55, which is part of the consensus splice site for this exon. This variant is not present in population databases (gnomAD no frequency). This variant has not been reported in the literature in individuals affected with NF1-related conditions. ClinVar contains an entry for this variant (Variation ID: 481988). Advanced modeling of protein sequence and biophysical properties (such as structural, functional, and spatial information, amino acid conservation, physicochemical variation, residue mobility, and thermodynamic stability) has been performed at Invitae for this missense variant, however the output from this modeling did not meet the statistical confidence thresholds required to predict the impact of this variant on NF1 protein function. Variants that disrupt the consensus splice site are a relatively common cause of aberrant splicing (PMID: 17576681, 9536098). In summary, the available evidence is currently insufficient to determine the role of this variant in disease. Therefore, it has been classified as a Variant of Uncertain Significance.

Genome-Nilou Lab
Classification: Uncertain significance for Neurofibromatosis, type 1. Last evaluated: 2022-03-15. Review status: criteria provided, single submitter. Criteria: ACMG Guidelines, 2015. Collection method: clinical testing. Allele origin: germline. Affected: no.

Literature cited by the submitters: PubMed 17576681 (cited by Labcorp Genetics (formerly Invitae), Labcorp); PubMed 9536098 (cited by Labcorp Genetics (formerly Invitae), Labcorp).